The following is an entry in ClinVar:

NM_000492.4(CFTR):c.4223T>C (p.Leu1408Pro)

Gene: CFTR (CF transmembrane conductance regulator; plus strand). Cytogenetic location: 7q31.2.
Variant type: single nucleotide variant.
Coding change: c.4223T>C on transcript NM_000492.4 (MANE Select); coding-DNA position 4223, T replaced by C.
Protein change: p.Leu1408Pro; replaces leucine 1408 with proline.
Molecular consequence: missense variant.
Genome position (GRCh38, 1-based): chr7:117,665,545, T>C. VCF-style: chr7-117665545-T-C. GRCh37 (hg19) VCF-style: chr7-117305599-T-C.
Other names: short protein forms L1408P.
Identifiers: ClinVar variation 1738844 (VCV001738844.2), dbSNP rs1793360255, ClinGen allele CA368983760.

ClinVar aggregate classification (germline): Uncertain significance (1 of 4 stars; one submission).

Conditions:
Cystic fibrosis (CF). Also called: MUCOVISCIDOSIS. Identifiers: Orphanet 586, MedGen C0010674, MONDO:0009061, OMIM 219700. Disease mechanism: loss of function.

Allele frequency attached by ClinVar (database versions not stated): gnomAD exomes below 0.00001; TOPMed below 0.00001.
gnomAD v4.1: 2 of 1,611,954 alleles (0.00012%); highest among the groups gnomAD compares: African/African-American, 0.0013%; no homozygotes.

Submission:

Ambry Genetics
Classification: Uncertain significance for Cystic fibrosis. Last evaluated: 2022-07-28. Review status: criteria provided, single submitter. Criteria: Ambry Variant Classification Scheme 2023. Collection method: clinical testing. Allele origin: germline.
Comment: The p.L1408P variant (also known as c.4223T>C), located in coding exon 26 of the CFTR gene, results from a T to C substitution at nucleotide position 4223. The leucine at codon 1408 is replaced by proline, an amino acid with similar properties. This amino acid position is conserved. In addition, this alteration is predicted to be deleterious by in silico analysis. Since supporting evidence is limited at this time, the clinical significance of this alteration remains unclear.